The following is an entry in ClinVar:

ClinVar aggregate classification (germline): Benign/Likely benign. Review status: criteria provided, multiple submitters, no conflicts (2 of 4 stars). 4 submissions from 4 submitters: Benign (3); Likely benign (1). Last evaluated 2026-01-27.

Allele frequency attached by ClinVar (database versions not stated): gnomAD exomes 0.00074 and 0.00184; ExAC 0.00208; gnomAD 0.00613 and 0.00658; 1000 Genomes Project 30x 0.00625; 1000 Genomes Project 0.00639; TOPMed 0.00670; ESP Exome Variant Server 0.00738.
gnomAD v4.1: 2,074 of 1,614,206 alleles (0.13%); highest among the groups gnomAD compares: African/African-American, 2.1%; 17 homozygotes.

Submissions (4):

Labcorp Genetics (formerly Invitae), Labcorp
Classification: Benign. Last evaluated: 2026-01-27. Review status: criteria provided, single submitter. Criteria: Invitae Variant Classification Sherloc (09022015). Collection method: clinical testing. Allele origin: germline.

Women's Health and Genetics/Laboratory Corporation of America, LabCorp
Classification: Benign. Last evaluated: 2026-01-22. Review status: criteria provided, single submitter. Criteria: LabCorp Variant Classification Summary - May 2015. Collection method: clinical testing. Allele origin: germline.

Blueprint Genetics
Classification: Likely benign. Last evaluated: 2024-11-25. Review status: criteria provided, single submitter. Criteria: ACMG Guidelines, 2015. Collection method: clinical testing. Allele origin: germline.

Mayo Clinic Laboratories, Mayo Clinic
Classification: Benign. Last evaluated: 2023-11-07. Review status: criteria provided, single submitter. Criteria: ACMG Guidelines, 2015. Collection method: clinical testing. Allele origin: germline. Observed: 7 variant alleles.
Comment: BS1, BS2, BP4, BP7

NM_001557.4(CXCR2):c.756C>T (p.Val252=)

Gene: CXCR2 (C-X-C motif chemokine receptor 2; plus strand). Cytogenetic location: 2q35.
Variant type: single nucleotide variant.
Coding change: c.756C>T on transcript NM_001557.4 (MANE Select); coding-DNA position 756, C replaced by T.
Protein change: p.Val252=; no amino-acid change (valine 252 retained).
Molecular consequence: synonymous variant.
Genome position (GRCh38, 1-based): chr2:218,135,557, C>T. VCF-style: chr2-218135557-C-T. GRCh37 (hg19) VCF-style: chr2-219000280-C-T.
Other names: p.Val252=; c.756C>T, p.Val252= (NM_001168298.2).
Identifiers: ClinVar variation 1166729 (VCV001166729.12), dbSNP rs17844699, ClinGen allele CA2101779.